The following is an entry in ClinVar:

ClinVar aggregate classification (germline): Likely pathogenic (1 of 4 stars; one submission).

Conditions:
X-linked Alport syndrome (ATS1). Also called: NEPHROPATHY AND DEAFNESS, X-LINKED; COL4A5-Related Nephropathy. Identifiers: Orphanet 63, Orphanet 88917, MedGen C4746986, MONDO:0010520, OMIM 301050.

Submission:

3billion
Classification: Likely pathogenic for X-linked Alport syndrome. Last evaluated: 2023-08-22. Review status: criteria provided, single submitter. Criteria: ACMG Guidelines, 2015. Collection method: clinical testing. Allele origin: germline. Affected: yes.
Comment: The variant is not observed in the gnomAD v2.1.1 dataset. Predicted Consequence/Location: Frameshift: predicted to result in a loss or disruption of normal protein function through nonsense-mediated decay (NMD) or protein truncation. Multiple pathogenic variants are reported downstream of the variant. Therefore, this variant is classified as Likely pathogenic according to the recommendation of ACMG/AMP guideline.

NM_033380.3(COL4A5):c.4340dup (p.Gly1448fs)

Gene: COL4A5 (collagen type IV alpha 5 chain; plus strand). Cytogenetic location: Xq22.3.
Variant type: Duplication.
Coding change: c.4340dup on transcript NM_033380.3 (MANE Select); coding-DNA position 4340, one base duplicated (C; older notation c.4340dupC).
Protein change: p.Gly1448fs; shifts the reading frame from glycine 1448.
Molecular consequence: frameshift variant.
Genome position (GRCh38, 1-based): chrX:108,687,506, C duplicated; the last of 5 consecutive C bases (chrX:108,687,502-108,687,506); duplicating any one gives the same sequence. VCF-style (leftmost placement, unchanged base first): chrX-108687501-T-TC. GRCh37 (hg19) VCF-style: chrX-107930731-T-TC.
Other names: c.4322dup, p.Gly1442fs (NM_000495.5); short protein forms G1442fs, G1448fs.
Identifiers: ClinVar variation 3776045 (VCV003776045.1).